The following is an entry in ClinVar:

NM_024411.5(PDYN):c.-19-1G>C

Genes: PDYN (prodynorphin; minus strand), PDYN-AS1 (PDYN antisense RNA 1; plus strand). Cytogenetic location: 20p13.
Variant type: single nucleotide variant.
Coding change: c.-19-1G>C on transcript NM_024411.5 (MANE Select); the canonical splice acceptor site of the intron before 19 bases upstream of the start codon, G replaced by C.
Molecular consequence: splice acceptor variant. On other transcripts: intron variant (1).
Genome position (GRCh38, 1-based): chr20:1,983,104, C>G on the plus strand (G>C on the coding strand, the complement: PDYN is on the minus strand). VCF-style: chr20-1983104-C-G. GRCh37 (hg19) VCF-style: chr20-1963750-C-G.
Other names: c.-19-1G>C (NM_001190899.2, NM_001190900.1, NM_001190892.1); c.-16-4G>C (NM_001190898.3).
Identifiers: ClinVar variation 632371 (VCV000632371.5), dbSNP rs769835663, ClinGen allele CA9730406.
Genomic context (GRCh38, chr20:1,983,104, plus strand): 5'-ATGAGGAGGCAGGCAGCCAGGACCAGCCCCTGCCAGGCCATCCTGTCTCAGCAATTCCTG[C>G]TGGGGAGGAAGAAAGAGAAGATAATGAAATCTGTGATCACCACTCTGTAGACTGTGTTCT-3'

ClinVar aggregate classification (germline): Uncertain significance (1 of 4 stars; one submission).

Allele frequency attached by ClinVar (database versions not stated): ExAC 0.00005; gnomAD exomes 0.00007 and 0.00010; gnomAD 0.00010 and 0.00012; TOPMed 0.00015.
gnomAD v4.1: 164 of 1,611,688 alleles (0.01%); highest among the groups gnomAD compares: Middle Eastern, 0.082%; 1 homozygote.

Submission:

Women's Health and Genetics/Laboratory Corporation of America, LabCorp
Classification: Uncertain significance. Last evaluated: 2023-07-11. Review status: criteria provided, single submitter. Criteria: LabCorp Variant Classification Summary - May 2015. Collection method: clinical testing. Allele origin: germline.
Comment: Variant summary: PDYN c.-19-1G>C is located in the 5'UTR of the PDYN gene, in a canonical splice-site and is predicted to affect mRNA splicing, potentially resulting in a significantly altered protein due to either exon skipping, shortening, or inclusion of intronic material. Several computational tools predict a significant impact on normal splicing: Four predict the variant abolishes the canonical 3' acceptor site and creates/strengthens a cryptic 3' acceptor site that is also located in the 5'UTR upstream of the ATG start codon. However, these predictions have yet to be confirmed by functional studies. The variant allele was found at a frequency of 7.3e-05 in 247982 control chromosomes (gnomAD). c.-19-1G>C has been reported in the literature at least once in a cohort of individuals affected with cerebellar ataxia undergoing multigene panel testing (Ghorbani_2022). This report does not provide unequivocal conclusions about association of the variant with Spinocerebellar Ataxia Type 23. To our knowledge, no experimental evidence demonstrating an impact on protein function has been reported. The following publication have been ascertained in the context of this evaluation (PMID: 35401678). One submitter has provided a clinical-significance assessment for this variant to ClinVar after 2014 and has classified the variant as uncertain significance. Based on the evidence outlined above, the variant was classified as uncertain significance.

Literature cited by the submitters: PubMed 35401678.